The following is an entry in ClinVar:

NM_014264.5(PLK4):c.878C>T (p.Ala293Val)

Gene: PLK4 (polo like kinase 4; plus strand). Cytogenetic location: 4q28.1.
Variant type: single nucleotide variant.
Coding change: c.878C>T on transcript NM_014264.5 (MANE Select); coding-DNA position 878, C replaced by T.
Protein change: p.Ala293Val; replaces alanine 293 with valine.
Molecular consequence: missense variant.
Genome position (GRCh38, 1-based): chr4:127,886,248, C>T. VCF-style: chr4-127886248-C-T. GRCh37 (hg19) VCF-style: chr4-128807403-C-T.
Other names: c.782C>T, p.Ala261Val (NM_001190799.2); c.755C>T, p.Ala252Val (NM_001190801.2); short protein forms A261V, A293V, A252V.
Identifiers: ClinVar variation 1955716 (VCV001955716.4), dbSNP rs772833925, ClinGen allele CA3076645.
Genomic context (GRCh38, chr4:127,886,248, plus strand): 5'-GTAAAGATTTAGGAACTGTGGAAGACTCAATTGATAGTGGGCATGCCACAATTTCTACTG[C>T]AATTACAGCTTCTTCCAGTACCAGTATAAGTGGTAGTTTATTTGACAAAAGAAGACTTTT-3'
Protein context (NP_055079.3, residues 283-303): IDSGHATIST[Ala293Val]ITASSSTSIS

ClinVar aggregate classification (germline): Uncertain significance (1 of 4 stars; one submission).

Allele frequency attached by ClinVar (database versions not stated): gnomAD exomes below 0.00001; TOPMed below 0.00001; ExAC 0.00001.
gnomAD v4.1: 1 of 1,613,852 alleles (0.000062%); highest among the groups gnomAD compares: Non-Finnish European, 0.000085%; no homozygotes.

Submission:

Labcorp Genetics (formerly Invitae), Labcorp
Classification: Uncertain significance. Last evaluated: 2022-02-10. Review status: criteria provided, single submitter. Criteria: Invitae Variant Classification Sherloc (09022015). Collection method: clinical testing. Allele origin: germline.
Comment: This sequence change replaces alanine, which is neutral and non-polar, with valine, which is neutral and non-polar, at codon 293 of the PLK4 protein (p.Ala293Val). This variant is present in population databases (rs772833925, gnomAD 0.01%). This variant has not been reported in the literature in individuals affected with PLK4-related conditions. Algorithms developed to predict the effect of missense changes on protein structure and function are either unavailable or do not agree on the potential impact of this missense change (SIFT: "Deleterious"; PolyPhen-2: "Possibly Damaging"; Align-GVGD: "Class C0"). In summary, the available evidence is currently insufficient to determine the role of this variant in disease. Therefore, it has been classified as a Variant of Uncertain Significance.